The following is an entry in ClinVar:

NM_002465.4(MYBPC1):c.-75G>T

Gene: MYBPC1 (myosin binding protein C1; plus strand). Cytogenetic location: 12q23.2.
Variant type: single nucleotide variant.
Coding change: c.-75G>T on transcript NM_002465.4 (MANE Select); 75 bases upstream of the start codon, G replaced by T.
Molecular consequence: 5 prime UTR variant.
Genome position (GRCh38, 1-based): chr12:101,594,996, G>T. VCF-style: chr12-101594996-G-T. GRCh37 (hg19) VCF-style: chr12-101988774-G-T.
Other names: c.-75G>T (NM_001254718.3, NM_001254719.3, NM_001254720.3 and 13 more transcripts).
Identifiers: ClinVar variation 306704 (VCV000306704.9), dbSNP rs1697477, ClinGen allele CA10639846.

ClinVar aggregate classification (germline): Benign. Review status: criteria provided, multiple submitters, no conflicts (2 of 4 stars). 3 submissions from 3 submitters: Benign (3). Last evaluated 2018-11-12.

Conditions:
Arthrogryposis, distal, type 1B. Identifiers: Orphanet 1146, MedGen C3280526, MONDO:0013698, OMIM 614335.

Allele frequency attached by ClinVar (database versions not stated): TOPMed 0.12871; gnomAD 0.13668; ESP Exome Variant Server 0.13075; 1000 Genomes Project 0.16374; 1000 Genomes Project 30x 0.15490.
gnomAD v4.1: 246,588 of 1,456,236 alleles (17%); highest among the groups gnomAD compares: East Asian, 31%; 22,723 homozygotes.

Submissions (3):

GeneDx
Classification: Benign. Last evaluated: 2018-11-12. Review status: criteria provided, single submitter. Criteria: GeneDx Variant Classification Process June 2021. Collection method: clinical testing. Allele origin: germline. Affected: yes.

Illumina Laboratory Services, Illumina
Classification: Benign for Arthrogryposis, distal, type 1B. Last evaluated: 2018-01-13. Review status: criteria provided, single submitter. Criteria: ICSL Variant Classification Criteria 13 December 2019. Collection method: clinical testing. Allele origin: germline.
Comment: This variant was observed in the ICSL laboratory as part of a predisposition screen in an ostensibly healthy population. It had not been previously curated by ICSL or reported in the Human Gene Mutation Database (HGMD: prior to June 1st, 2018), and was therefore a candidate for classification through an automated scoring system. Utilizing variant allele frequency, disease prevalence and penetrance estimates, and inheritance mode, an automated score was calculated to assess if this variant is too frequent to cause the disease. Based on the score and internal cut-off values, a variant classified as benign is not then subjected to further curation. The score for this variant resulted in a classification of benign for this disease.

Breakthrough Genomics
Classification: Benign. Review status: criteria provided, single submitter. Criteria: ACMG Guidelines, 2015. Collection method: not provided. Allele origin: germline. Inheritance: Autosomal recessive inheritance. Affected: yes.